The following is an entry in ClinVar:

ClinVar aggregate classification (germline): Likely benign. Review status: criteria provided, multiple submitters, no conflicts (2 of 4 stars). 4 submissions from 4 submitters: Likely benign (3). 1 of the submissions does not count toward it. Last evaluated 2026-01-25.

Conditions:
SOS2-related disorder. Also called: SOS2-related condition.
Cardiovascular phenotype. Identifiers: MedGen CN230736.
Noonan syndrome 9 (NS9). Identifiers: Orphanet 648, MedGen C4225282, MONDO:0014691, OMIM 616559.

Allele frequency attached by ClinVar (database versions not stated): gnomAD exomes below 0.00001 and 0.00001; gnomAD 0.00001 and 0.00002; TOPMed 0.00001.
gnomAD v4.1: 17 of 1,583,270 alleles (0.0011%); highest among the groups gnomAD compares: Non-Finnish European, 0.0015%; no homozygotes.

Submissions (4):

Labcorp Genetics (formerly Invitae), Labcorp
Classification: Likely benign for Noonan syndrome 9. Last evaluated: 2026-01-25. Review status: criteria provided, single submitter. Criteria: Invitae Variant Classification Sherloc (09022015). Collection method: clinical testing. Allele origin: germline.

Ambry Genetics
Classification: Likely benign for Cardiovascular phenotype. Last evaluated: 2021-06-23. Review status: criteria provided, single submitter. Criteria: Ambry Variant Classification Scheme 2023. Collection method: clinical testing. Allele origin: germline.

Genome-Nilou Lab
Classification: Likely benign for Noonan syndrome 9. Review status: criteria provided, single submitter. Criteria: ACMG Guidelines, 2015. Collection method: clinical testing. Allele origin: germline.

PreventionGenetics, part of Exact Sciences
Classification: Likely benign for SOS2-related condition. Last evaluated: 2020-11-02. Review status: no assertion criteria provided. Collection method: clinical testing. Allele origin: germline. Not counted in ClinVar's aggregate classification.
Comment: This variant is classified as likely benign based on ACMG/AMP sequence variant interpretation guidelines (Richards et al. 2015 PMID: 25741868, with internal and published modifications).

NM_006939.4(SOS2):c.2916T>C (p.Tyr972=)

Gene: SOS2 (SOS Ras/Rho guanine nucleotide exchange factor 2; minus strand). Cytogenetic location: 14q21.3.
Variant type: single nucleotide variant.
Coding change: c.2916T>C on transcript NM_006939.4 (MANE Select); coding-DNA position 2916, T replaced by C.
Protein change: p.Tyr972=; no amino-acid change (tyrosine 972 retained).
Molecular consequence: synonymous variant.
Genome position (GRCh38, 1-based): chr14:50,138,654, A>G on the plus strand (T>C on the coding strand, the complement: SOS2 is on the minus strand). VCF-style: chr14-50138654-A-G. GRCh37 (hg19) VCF-style: chr14-50605372-A-G.
Other names: c.2916T>C (NM_006939.3).
Identifiers: ClinVar variation 1540988 (VCV001540988.13), dbSNP rs979918396, ClinGen allele CA260719230.